The following is an entry in ClinVar:

NM_006940.6(SOX5):c.1357C>T (p.His453Tyr)

Gene: SOX5 (SRY-box transcription factor 5; minus strand). Cytogenetic location: 12p12.1.
Variant type: single nucleotide variant.
Coding change: c.1357C>T on transcript NM_006940.6 (MANE Select); coding-DNA position 1357, C replaced by T.
Protein change: p.His453Tyr; replaces histidine 453 with tyrosine.
Molecular consequence: missense variant. On other transcripts: intron variant (1).
Genome position (GRCh38, 1-based): chr12:23,563,389, G>A on the plus strand (C>T on the coding strand, the complement: SOX5 is on the minus strand). VCF-style: chr12-23563389-G-A. GRCh37 (hg19) VCF-style: chr12-23716323-G-A.
Other names: c.1327C>T, p.His443Tyr (NM_001261415.3); c.1252C>T, p.His418Tyr (NM_001330785.2); c.1318C>T, p.His440Tyr (NM_152989.5); c.199C>T, p.His67Tyr (NM_178010.4); c.1126-16965C>T (NM_001261414.3); short protein forms H418Y, H440Y, H443Y, H453Y, H67Y.
Identifiers: ClinVar variation 1804340 (VCV001804340.1), dbSNP rs904201285, ClinGen allele CA384317222.

ClinVar aggregate classification (germline): Uncertain significance (1 of 4 stars; one submission).

Submission:

GeneDx
Classification: Uncertain significance. Last evaluated: 2022-06-14. Review status: criteria provided, single submitter. Criteria: GeneDx Variant Classification Process June 2021. Collection method: clinical testing. Allele origin: germline. Affected: yes.
Comment: Not observed at significant frequency in large population cohorts (gnomAD); In silico analysis supports that this missense variant does not alter protein structure/function; Has not been previously published as pathogenic or benign to our knowledge